The following is an entry in ClinVar:

NM_001458.5(FLNC):c.2485T>G (p.Phe829Val)

Gene: FLNC (filamin C; plus strand). Cytogenetic location: 7q32.1.
Variant type: single nucleotide variant.
Coding change: c.2485T>G on transcript NM_001458.5 (MANE Select); coding-DNA position 2485, T replaced by G.
Protein change: p.Phe829Val; replaces phenylalanine 829 with valine.
Molecular consequence: missense variant.
Genome position (GRCh38, 1-based): chr7:128,842,889, T>G. VCF-style: chr7-128842889-T-G. GRCh37 (hg19) VCF-style: chr7-128482943-T-G.
Other names: c.2485T>G, p.Phe829Val (NM_001127487.2); short protein forms F829V.
Identifiers: ClinVar variation 931235 (VCV000931235.8), dbSNP rs758056957, ClinGen allele CA4474743.

ClinVar aggregate classification (germline): Uncertain significance. Review status: criteria provided, multiple submitters, no conflicts (2 of 4 stars). 4 submissions from 4 submitters: Uncertain significance (4). Last evaluated 2025-05-29.

Conditions:
Cardiovascular phenotype. Identifiers: MedGen CN230736.
Hypertrophic cardiomyopathy 26. Also called: Cardiomyopathy, familial hypertrophic, 26. Identifiers: Orphanet 75249, MedGen C4310749, MONDO:0014883, OMIM 617047.
Distal myopathy with posterior leg and anterior hand involvement. Also called: WILLIAMS DISTAL MYOPATHY. Identifiers: Orphanet 63273, MedGen C3279722, MONDO:0013550, OMIM 614065.
Myofibrillar myopathy 5. Also called: Filaminopathy (type); FILAMINOPATHY, AUTOSOMAL DOMINANT. Identifiers: Orphanet 171445, MedGen C1836050, MONDO:0012289, OMIM 609524.

Allele frequency attached by ClinVar (database versions not stated): gnomAD exomes below 0.00001 and 0.00001; ExAC 0.00001; gnomAD 0.00001; TOPMed 0.00001.
gnomAD v4.1: 10 of 1,613,876 alleles (0.00062%); highest among the groups gnomAD compares: Non-Finnish European, 0.00085%; no homozygotes.

Submissions (4):

Labcorp Genetics (formerly Invitae), Labcorp
Classification: Uncertain significance for Distal myopathy with posterior leg and anterior hand involvement; Myofibrillar myopathy 5; Hypertrophic cardiomyopathy 26. Last evaluated: 2025-05-29. Review status: criteria provided, single submitter. Criteria: Invitae Variant Classification Sherloc (09022015). Collection method: clinical testing. Allele origin: germline.
Comment: This sequence change replaces phenylalanine, which is neutral and non-polar, with valine, which is neutral and non-polar, at codon 829 of the FLNC protein (p.Phe829Val). This variant is present in population databases (rs758056957, gnomAD 0.0009%). This variant has not been reported in the literature in individuals affected with FLNC-related conditions. ClinVar contains an entry for this variant (Variation ID: 931235). Invitae Evidence Modeling of protein sequence and biophysical properties (such as structural, functional, and spatial information, amino acid conservation, physicochemical variation, residue mobility, and thermodynamic stability) has been performed for this missense variant. However, the output from this modeling did not meet the statistical confidence thresholds required to predict the impact of this variant on FLNC protein function. In summary, the available evidence is currently insufficient to determine the role of this variant in disease. Therefore, it has been classified as a Variant of Uncertain Significance.

Ambry Genetics
Classification: Uncertain significance for Cardiovascular phenotype. Last evaluated: 2024-12-11. Review status: criteria provided, single submitter. Criteria: Ambry Variant Classification Scheme 2023. Collection method: clinical testing. Allele origin: germline.

Fulgent Genetics
Classification: Uncertain significance for Myofibrillar myopathy 5; Distal myopathy with posterior leg and anterior hand involvement; Hypertrophic cardiomyopathy 26. Last evaluated: 2022-02-02. Review status: criteria provided, single submitter. Criteria: ACMG Guidelines, 2015. Collection method: clinical testing. Allele origin: unknown.

Centre for Mendelian Genomics, University Medical Centre Ljubljana
Classification: Uncertain significance for Hypertrophic cardiomyopathy 26. Last evaluated: 2020-03-12. Review status: criteria provided, single submitter. Criteria: ACMG Guidelines, 2015. Collection method: clinical testing. Allele origin: unknown. Affected: yes.
Comment: This variant was classified as: Uncertain significance. The available evidence on this variant's pathogenicity is insufficient or conflicting. The following ACMG criteria were applied in classifying this variant: PM2,PP3,BP1.